The following is an entry in ClinVar:

ClinVar aggregate classification (germline): Likely pathogenic (1 of 4 stars; one submission).

Conditions:
SLC7A9-related disorder. Also called: SLC7A9-related condition.

Submission:

PreventionGenetics, part of Exact Sciences
Classification: Likely pathogenic for SLC7A9-related condition. Last evaluated: 2023-05-11. Review status: criteria provided, single submitter. Criteria: ACMG Guidelines, 2015. Collection method: clinical testing. Allele origin: germline.
Comment: The SLC7A9 c.65delA variant is predicted to result in a frameshift and premature protein termination (p.Lys22Argfs*68). To our knowledge, this variant has not been reported in the literature or in a large population database, indicating this variant is rare. Frameshift variants in SLC7A9 are expected to be pathogenic. This variant is interpreted as likely pathogenic.

NM_014270.5(SLC7A9):c.65del (p.Lys22fs)

Gene: SLC7A9 (solute carrier family 7 member 9; minus strand). Cytogenetic location: 19q13.11.
Variant type: Deletion.
Coding change: c.65del on transcript NM_014270.5 (MANE Select); coding-DNA position 65, one base deleted (A; older notation c.65delA).
Protein change: p.Lys22fs; shifts the reading frame from lysine 22.
Molecular consequence: frameshift variant.
Genome position (GRCh38, 1-based): chr19:32,868,470, T deleted on the plus strand (A on the coding strand, the reverse complement: SLC7A9 is on the minus strand); the first of 2 consecutive T bases (chr19:32,868,470-32,868,471); deleting either gives the same sequence. VCF-style (leftmost placement, unchanged base first): chr19-32868469-CT-C. GRCh37 (hg19) VCF-style: chr19-33359375-CT-C.
Other names: c.65del, p.Lys22fs (NM_001126335.2, NM_001243036.2); short protein forms K22fs.
Identifiers: ClinVar variation 2632812 (VCV002632812.1), dbSNP rs2513617524, ClinGen allele CA2695198166.